The following is an entry in ClinVar:

NM_020549.5(CHAT):c.1105G>A (p.Val369Met)

Gene: CHAT (choline O-acetyltransferase; plus strand). Cytogenetic location: 10q11.23.
Variant type: single nucleotide variant.
Coding change: c.1105G>A on transcript NM_020549.5 (MANE Select); coding-DNA position 1105, G replaced by A.
Protein change: p.Val369Met; replaces valine 369 with methionine.
Molecular consequence: missense variant.
Genome position (GRCh38, 1-based): chr10:49,627,779, G>A. VCF-style: chr10-49627779-G-A. GRCh37 (hg19) VCF-style: chr10-50835825-G-A.
Other names: c.751G>A, p.Val251Met (NM_001142929.2, NM_001142934.2, NM_020984.4 and 2 more transcripts); c.859G>A, p.Val287Met (NM_001142933.2); short protein forms V369M, V251M, V287M.
Identifiers: ClinVar variation 1467199 (VCV001467199.5), dbSNP rs769754418, ClinGen allele CA5497360.

ClinVar aggregate classification (germline): Uncertain significance (1 of 4 stars; one submission).

Conditions:
Familial infantile myasthenia (CMS6). Also called: Congenital myasthenic syndrome type 6; MYASTHENIC SYNDROME, CONGENITAL, 6, PRESYNAPTIC; MYASTHENIC SYNDROME, PRESYNAPTIC, CONGENITAL, ASSOCIATED WITH EPISODIC APNEA. Identifiers: Orphanet 590, MedGen C0393929, MONDO:0009689, OMIM 254210.

Allele frequency attached by ClinVar (database versions not stated): TOPMed 0.00001; gnomAD 0.00003 and 0.00004.
gnomAD v4.1: 17 of 1,613,448 alleles (0.0011%); highest among the groups gnomAD compares: African/African-American, 0.0053%; no homozygotes.

Submission:

Labcorp Genetics (formerly Invitae), Labcorp
Classification: Uncertain significance for Familial infantile myasthenia. Last evaluated: 2022-06-20. Review status: criteria provided, single submitter. Criteria: Invitae Variant Classification Sherloc (09022015). Collection method: clinical testing. Allele origin: germline.
Comment: This sequence change replaces valine, which is neutral and non-polar, with methionine, which is neutral and non-polar, at codon 369 of the CHAT protein (p.Val369Met). The frequency data for this variant in the population databases is considered unreliable, as metrics indicate poor data quality at this position in the gnomAD database. This variant has not been reported in the literature in individuals affected with CHAT-related conditions. Advanced modeling of protein sequence and biophysical properties (such as structural, functional, and spatial information, amino acid conservation, physicochemical variation, residue mobility, and thermodynamic stability) performed at Invitae indicates that this missense variant is not expected to disrupt CHAT protein function. In summary, the available evidence is currently insufficient to determine the role of this variant in disease. Therefore, it has been classified as a Variant of Uncertain Significance.